The following is an entry in ClinVar:

ClinVar aggregate classification (germline): Likely pathogenic (1 of 4 stars; one submission).

Conditions:
Neurodevelopmental disorder with dysmorphic facies and distal limb anomalies. Identifiers: Orphanet 686482, MedGen C4540327, MONDO:0060596, OMIM 617755.

Submission:

New York Genome Center
Classification: Likely pathogenic for Neurodevelopmental disorder with dysmorphic facies and distal limb anomalies. Last evaluated: 2020-02-23. Review status: criteria provided, single submitter. Criteria: NYGC Assertion Criteria 2020. Collection method: clinical testing. Allele origin: germline. Affected: yes. Observed: 1 heterozygote. Study: CSER-NYCKidSeq.
Comment: The c.5587C>T (p.Arg1863Ter) variant identified in the BPTF gene results in the premature termination of the protein at amino acid 1863/2921 (coding exon 14/28). This variant is absent from gnomAD suggesting it is not a common benign variant in the populations represented in this database. This variant is absent from ClinVar although nonsense and frameshift variants downstream of the p.Arg1863 residue have been reported as Pathogenic. This variant has not been reported in the literature in affected individuals. The p.Arg1863Ter variant is N-terminal to the bromo domain as well as the C-terminal PHD finger domain, and therefore would terminate the protein prior to these functional domains (UniProtKB; Q12830). Given the deleterious nature of the c.5587C>T (p.Arg1863Ter) variant and its absence in population databases, it is reported here as Likely Pathogenic.

NM_182641.4(BPTF):c.5587C>T (p.Arg1863Ter)

Gene: BPTF (bromodomain PHD finger transcription factor; plus strand). Cytogenetic location: 17q24.2.
Variant type: single nucleotide variant.
Coding change: c.5587C>T on transcript NM_182641.4 (MANE Select); coding-DNA position 5587, C replaced by T.
Protein change: p.Arg1863Ter; replaces arginine 1863 with a stop codon.
Molecular consequence: nonsense.
Genome position (GRCh38, 1-based): chr17:67,922,869, C>T. VCF-style: chr17-67922869-C-T. GRCh37 (hg19) VCF-style: chr17-65918985-C-T.
Other names: c.5965C>T, p.Arg1989Ter (NM_004459.7); short protein forms R1863*, R1989*.
Identifiers: ClinVar variation 983346 (VCV000983346.2), dbSNP rs2063551300, ClinGen allele CA400733723.
Genomic context (GRCh38, chr17:67,922,869, plus strand): 5'-TGCTTAAAATATTCTGATTTCCTTTCCAAAGAAACGCCTACACCTCAGAGGAAAGGCCTT[C>T]GATCAAGTGCACTGCGGCCAAAGAGACCAGAAACGCCCAAGCAAACTGGCCCTGTTATTA-3'